The following is an entry in ClinVar:

ClinVar aggregate classification (germline): Uncertain significance (1 of 4 stars; one submission).

gnomAD v4.1: 5 of 1,606,230 alleles (0.00031%); highest among the groups gnomAD compares: Admixed American, 0.0017%; no homozygotes.

Submission:

GeneDx
Classification: Uncertain significance. Last evaluated: 2025-02-06. Review status: criteria provided, single submitter. Criteria: GeneDx Variant Classification Process June 2021. Collection method: clinical testing. Allele origin: germline. Affected: yes.
Comment: Not observed at significant frequency in large population cohorts (gnomAD); In silico analysis supports that this missense variant has a deleterious effect on protein structure/function; Has not been previously published as pathogenic or benign to our knowledge

NM_000718.4(CACNA1B):c.3610G>A (p.Asp1204Asn)

Gene: CACNA1B (calcium voltage-gated channel subunit alpha1 B; plus strand). Cytogenetic location: 9q34.3.
Variant type: single nucleotide variant.
Coding change: c.3610G>A on transcript NM_000718.4 (MANE Select); coding-DNA position 3610, G replaced by A.
Protein change: p.Asp1204Asn; replaces aspartic acid 1204 with asparagine.
Molecular consequence: missense variant.
Genome position (GRCh38, 1-based): chr9:138,049,215, G>A. VCF-style: chr9-138049215-G-A. GRCh37 (hg19) VCF-style: chr9-140943667-G-A.
Other names: c.3610G>A, p.Asp1204Asn (NM_001243812.2); short protein forms D1204N.
Identifiers: ClinVar variation 4074407 (VCV004074407.1).